The following is an entry in ClinVar:

NM_004385.5(VCAN):c.2546A>G (p.Asp849Gly)

Gene: VCAN (versican; plus strand). Cytogenetic location: 5q14.3.
Variant type: single nucleotide variant.
Coding change: c.2546A>G on transcript NM_004385.5 (MANE Select); coding-DNA position 2546, A replaced by G.
Protein change: p.Asp849Gly; replaces aspartic acid 849 with glycine.
Molecular consequence: missense variant. On other transcripts: intron variant (2).
Genome position (GRCh38, 1-based): chr5:83,520,852, A>G. VCF-style: chr5-83520852-A-G. GRCh37 (hg19) VCF-style: chr5-82816671-A-G.
Other names: c.2546A>G, p.Asp849Gly (NM_001164098.2); c.1042+8456A>G (NM_001164097.2, NM_001126336.3); c.2546A>G (NM_004385.4); short protein forms D849G.
Identifiers: ClinVar variation 1061370 (VCV001061370.10), dbSNP rs766157743, ClinGen allele CA3332861.

ClinVar aggregate classification (germline): Uncertain significance. Review status: criteria provided, multiple submitters, no conflicts (2 of 4 stars). 2 submissions from 2 submitters: Uncertain significance (2). Last evaluated 2024-02-05.

Conditions:
Inborn genetic diseases. Identifiers: MedGen C0950123, MeSH D030342.

Allele frequency attached by ClinVar (database versions not stated): ExAC 0.00001; gnomAD exomes 0.00001.
gnomAD v4.1: 23 of 1,614,164 alleles (0.0014%); highest among the groups gnomAD compares: East Asian, 0.0022%; no homozygotes.

Submissions (2):

Ambry Genetics
Classification: Uncertain significance for Inborn genetic diseases. Last evaluated: 2024-02-05. Review status: criteria provided, single submitter. Criteria: Ambry Variant Classification Scheme 2023. Collection method: clinical testing. Allele origin: germline.

Labcorp Genetics (formerly Invitae), Labcorp
Classification: Uncertain significance. Last evaluated: 2024-02-02. Review status: criteria provided, single submitter. Criteria: Invitae Variant Classification Sherloc (09022015). Collection method: clinical testing. Allele origin: germline.
Comment: This sequence change replaces aspartic acid, which is acidic and polar, with glycine, which is neutral and non-polar, at codon 849 of the VCAN protein (p.Asp849Gly). This variant is present in population databases (rs766157743, gnomAD 0.002%). This variant has not been reported in the literature in individuals affected with VCAN-related conditions. ClinVar contains an entry for this variant (Variation ID: 1061370). An algorithm developed to predict the effect of missense changes on protein structure and function (PolyPhen-2) suggests that this variant is likely to be tolerated. In summary, the available evidence is currently insufficient to determine the role of this variant in disease. Therefore, it has been classified as a Variant of Uncertain Significance.